The following is an entry in ClinVar:

NC_000007.14:g.(?_107901728)_(107906378_?)del

Gene: DLD (dihydrolipoamide dehydrogenase; plus strand). Cytogenetic location: 7q31.1.
Variant type: Deletion.
Identifiers: ClinVar variation 831013 (VCV000831013.4).

ClinVar aggregate classification (germline): Pathogenic (1 of 4 stars; one submission).

Conditions:
Pyruvate dehydrogenase E3 deficiency (DLDD). Also called: MAPLE SYRUP URINE DISEASE, TYPE III; Dihydrolipoamide Dehydrogenase Deficiency; Dihydrolipoamide Dehydrogenase (E3) Deficiency; Lipoamide dehydrogenase deficiency, lactic acidosis due to; Lipoamide dehydrogenase deficiency; DLD DEFICIENCY. Identifiers: Orphanet 2394, Orphanet 765, MedGen C5574660, MONDO:0009529, OMIM 246900.

Submission:

Labcorp Genetics (formerly Invitae), Labcorp
Classification: Pathogenic for Pyruvate dehydrogenase E3 deficiency. Last evaluated: 2019-10-11. Review status: criteria provided, single submitter. Criteria: Invitae Variant Classification Sherloc (09022015). Collection method: clinical testing. Allele origin: germline.
Comment: This variant is an out-of-frame deletion of the genomic region encompassing exons 3-8 of the DLD gene. This is expected to create a premature translational stop signal and result in an absent or disrupted protein product. This variant has not been reported in the literature in individuals with DLD-related conditions. Loss-of-function variants in DLD are known to be pathogenic (PMID: 8968745, 9934985). For these reasons, this variant has been classified as Pathogenic.

Literature cited by the submitters: PubMed 8968745; PubMed 9934985.